The following is an entry in ClinVar:

ClinVar aggregate classification (germline): Pathogenic/Likely pathogenic. Review status: criteria provided, multiple submitters, no conflicts (2 of 4 stars). 3 submissions from 3 submitters: Pathogenic (2); Likely pathogenic (1). Last evaluated 2022-02-07.

Conditions:
Cohen syndrome (COH1). Also called: Cutis verticis gyrata, retinitis pigmentosa, and sensorineural deafness; PEPPER SYNDROME. Identifiers: Orphanet 193, MedGen C0265223, MONDO:0008999, OMIM 216550.

Submissions (3):

Genetics and Genomic Medicine Centre, NeuroGen Healthcare, NeuroGen Healthcare
Classification: Likely pathogenic for Cohen syndrome. Last evaluated: 2022-02-07. Review status: criteria provided, single submitter. Criteria: Submitter's publication. Collection method: clinical testing. Allele origin: unknown. Affected: no.

CeGaT Center for Human Genetics Tuebingen
Classification: Pathogenic. Last evaluated: 2017-10-01. Review status: criteria provided, single submitter. Criteria: CeGaT Center For Human Genetics Tuebingen Variant Classification Criteria Version 2. Collection method: clinical testing. Allele origin: germline. Affected: yes. Observed: 1 variant allele.

GeneDx
Classification: Pathogenic. Last evaluated: 2016-03-09. Review status: criteria provided, single submitter. Criteria: GeneDx Variant Classification (06012015). Collection method: clinical testing. Allele origin: germline. Affected: yes.
Comment: The c.7627_7630delTGTC pathogenic variant in the VPS13B gene has not been reported previously as a pathogenic variant nor as a benign variant, to our knowledge. The c.7627_7630delTGTC variant causes a frameshift starting with codon Cysteine 2543, changes this amino acid to an Arginine residue, and creates a premature Stop codon at position 6 of the new reading frame, denoted p.Cys2543ArgfsX6. This variant is predicted to cause loss of normal protein function either through protein truncation or nonsense-mediated mRNA decay. The c.7627_7630delTGTC variant was not observed in approximately 6,500 individuals of European and African American ancestry in the NHLBI Exome Sequencing Project, indicating it is not a common benign variant in these populations. We interpret c.7627_7630delTGTC as a pathogenic variant.

NM_152564.5(VPS13B):c.7552_7555del (p.Cys2518fs)

Gene: VPS13B (vacuolar protein sorting 13 homolog B; plus strand). Cytogenetic location: 8q22.2.
Variant type: Microsatellite.
Coding change: c.7552_7555del on transcript NM_152564.5 (MANE Select); coding-DNA positions 7552 to 7555, 4 bases deleted (TGTC; older notation c.7552_7555delTGTC).
Protein change: p.Cys2518fs; shifts the reading frame from cysteine 2518.
Molecular consequence: frameshift variant.
Genome position (GRCh38, 1-based): chr8:99,778,804-99,778,807, TGTC deleted; deleting any 4 consecutive bases within chr8:99,778,798-99,778,807 gives the same sequence; the c. name uses the placement nearest the transcript's 3' end. VCF-style (leftmost placement, unchanged base first): chr8-99778797-TTCTG-T. GRCh37 (hg19) VCF-style: chr8-100791025-TTCTG-T.
Other names: c.7627_7630del, p.Cys2543fs (NM_017890.5); short protein forms C2518fs, C2543fs.
Identifiers: ClinVar variation 280369 (VCV000280369.45), dbSNP rs886041587, ClinGen allele CA10603098.